The following is an entry in ClinVar:

ClinVar aggregate classification (germline): Uncertain significance (1 of 4 stars; one submission).

gnomAD v4.1: 3 of 1,211,614 alleles (0.00025%); highest among the groups gnomAD compares: Non-Finnish European, 0.00034%; no homozygotes.

Submission:

GeneDx
Classification: Uncertain significance. Last evaluated: 2026-07-09. Review status: criteria provided, single submitter. Criteria: GeneDx Variant Classification Process June 2021. Collection method: clinical testing. Allele origin: germline.
Comment: Not observed at significant frequency in large population cohorts (gnomAD); In silico analysis supports that this missense variant has a deleterious effect on protein structure/function; Has not been previously published as pathogenic or benign to our knowledge

NM_001291867.2(NHS):c.1403G>C (p.Arg468Thr)

Gene: NHS (NHS actin remodeling regulator; plus strand). Cytogenetic location: Xp22.13.
Variant type: single nucleotide variant.
Coding change: c.1403G>C on transcript NM_001291867.2 (MANE Select); coding-DNA position 1403, G replaced by C.
Protein change: p.Arg468Thr; replaces arginine 468 with threonine.
Molecular consequence: missense variant.
Genome position (GRCh38, 1-based): chrX:17,725,509, G>C. VCF-style: chrX-17725509-G-C. GRCh37 (hg19) VCF-style: chrX-17743629-G-C.
Other names: c.872G>C, p.Arg291Thr (NM_001136024.4); c.809G>C, p.Arg270Thr (NM_001291868.2); c.1340G>C, p.Arg447Thr (NM_198270.4); short protein forms R270T, R291T, R447T, R468T.
Identifiers: ClinVar variation 3363426 (VCV003363426.2).